The following is an entry in ClinVar:

ClinVar aggregate classification (germline): Uncertain significance (1 of 4 stars; one submission).

gnomAD v4.1: 1 of 1,614,066 alleles (0.000062%); no homozygotes.

Submission:

Labcorp Genetics (formerly Invitae), Labcorp
Classification: Uncertain significance. Last evaluated: 2021-09-18. Review status: criteria provided, single submitter. Criteria: Invitae Variant Classification Sherloc (09022015). Collection method: clinical testing. Allele origin: germline.
Comment: This sequence change replaces threonine with arginine at codon 506 of the COL27A1 protein (p.Thr506Arg). The threonine residue is highly conserved and there is a moderate physicochemical difference between threonine and arginine. This variant is not present in population databases (ExAC no frequency). This variant has not been reported in the literature in individuals affected with COL27A1-related conditions. Advanced modeling of protein sequence and biophysical properties (such as structural, functional, and spatial information, amino acid conservation, physicochemical variation, residue mobility, and thermodynamic stability) performed at Invitae indicates that this missense variant is not expected to disrupt COL27A1 protein function. In summary, the available evidence is currently insufficient to determine the role of this variant in disease. Therefore, it has been classified as a Variant of Uncertain Significance.

NM_032888.4(COL27A1):c.1517C>G (p.Thr506Arg)

Gene: COL27A1 (collagen type XXVII alpha 1 chain; plus strand). Cytogenetic location: 9q32.
Variant type: single nucleotide variant.
Coding change: c.1517C>G on transcript NM_032888.4 (MANE Select); coding-DNA position 1517, C replaced by G.
Protein change: p.Thr506Arg; replaces threonine 506 with arginine.
Molecular consequence: missense variant.
Genome position (GRCh38, 1-based): chr9:114,169,072, C>G. VCF-style: chr9-114169072-C-G. GRCh37 (hg19) VCF-style: chr9-116931352-C-G.
Other names: short protein forms T506R.
Identifiers: ClinVar variation 1472883 (VCV001472883.3), dbSNP rs1290281761, ClinGen allele CA374594589.